The following is an entry in ClinVar:

ClinVar aggregate classification (germline): not provided (0 of 4 stars; one submission).

Submission:

ITMI
No classification provided. Condition: AllHighlyPenetrant. Last evaluated: 2013-09-19. Review status: no classification provided. Collection method: reference population. Allele origin: germline.
Comment: Please see associated publication for description of ethnicities

Literature cited by the submitters: PubMed 24728327.

NM_152424.4(AMER1):c.1811A>G (p.Tyr604Cys)

Gene: AMER1 (APC membrane recruitment protein 1; minus strand). Cytogenetic location: Xq11.2.
Variant type: single nucleotide variant.
Coding change: c.1811A>G on transcript NM_152424.4 (MANE Select); coding-DNA position 1811, A replaced by G.
Protein change: p.Tyr604Cys; replaces tyrosine 604 with cysteine.
Molecular consequence: missense variant.
Genome position (GRCh38, 1-based): chrX:64,191,476, T>C on the plus strand (A>G on the coding strand, the complement: AMER1 is on the minus strand). VCF-style: chrX-64191476-T-C. GRCh37 (hg19) VCF-style: chrX-63411356-T-C.
Other names: short protein forms Y604C.
Identifiers: ClinVar variation 133488 (VCV000133488.1), dbSNP rs587778023, ClinGen allele CA156678.
Genomic context (GRCh38, chrX:64,191,476, plus strand): 5'-CTGGCCTCCCTGCCATGAGCTTCCCAAGTGTGGGCCTCCCTGGCATAGGCTTCCCTGCCA[T>C]AAGCCTCTCGAGTATAGGCCTCCCTGGCGTGGGCCTCCCTGGCATGAGCTTCTCGGGCAC-3'
Protein context (NP_689637.3, residues 594-614): HAREAYTREA[Tyr604Cys]GREAYAREAH